The following is an entry in ClinVar:

NM_015073.3(SIPA1L3):c.5122G>A (p.Glu1708Lys)

Gene: SIPA1L3 (signal induced proliferation associated 1 like 3; plus strand). Cytogenetic location: 19q13.2.
Variant type: single nucleotide variant.
Coding change: c.5122G>A on transcript NM_015073.3 (MANE Select); coding-DNA position 5122, G replaced by A.
Protein change: p.Glu1708Lys; replaces glutamic acid 1708 with lysine.
Molecular consequence: missense variant.
Genome position (GRCh38, 1-based): chr19:38,204,128, G>A. VCF-style: chr19-38204128-G-A. GRCh37 (hg19) VCF-style: chr19-38694768-G-A.
Other names: short protein forms E1708K.
Identifiers: ClinVar variation 2412070 (VCV002412070.7), dbSNP rs748028255, ClinGen allele CA9410610.

ClinVar aggregate classification (germline): Uncertain significance. Review status: criteria provided, multiple submitters, no conflicts (2 of 4 stars). 2 submissions from 2 submitters: Uncertain significance (2). Last evaluated 2025-08-01.

Allele frequency attached by ClinVar (database versions not stated): gnomAD 0.00004; TOPMed 0.00005; ExAC 0.00014.
gnomAD v4.1: 118 of 1,556,456 alleles (0.0076%); highest among the groups gnomAD compares: Non-Finnish European, 0.0099%; no homozygotes.

Submissions (3):

Ambry Genetics
Classification: Uncertain significance. Last evaluated: 2025-08-01. Review status: criteria provided, single submitter. Criteria: Ambry Variant Classification Scheme 2023. Collection method: clinical testing. Allele origin: germline.

Labcorp Genetics (formerly Invitae), Labcorp
Classification: Uncertain significance. Last evaluated: 2023-10-04. Review status: criteria provided, single submitter. Criteria: Invitae Variant Classification Sherloc (09022015). Collection method: clinical testing. Allele origin: germline.
Comment: This sequence change replaces glutamic acid, which is acidic and polar, with lysine, which is basic and polar, at codon 1708 of the SIPA1L3 protein (p.Glu1708Lys). The frequency data for this variant in the population databases is considered unreliable, as metrics indicate poor data quality at this position in the gnomAD database. This variant has not been reported in the literature in individuals affected with SIPA1L3-related conditions. ClinVar contains an entry for this variant (Variation ID: 2412070). An algorithm developed to predict the effect of missense changes on protein structure and function (PolyPhen-2) suggests that this variant is likely to be tolerated. Algorithms developed to predict the effect of sequence changes on RNA splicing suggest that this variant may create or strengthen a splice site. In summary, the available evidence is currently insufficient to determine the role of this variant in disease. Therefore, it has been classified as a Variant of Uncertain Significance.

Dr. Peter K. Rogan Lab, Western University
No classification provided (evidence only). Condition: Colon adenocarcinoma. Review status: no classification provided. Collection method: in vitro. Allele origin: not applicable. Functional consequence: cryptic splice site, retained intron. Not counted in ClinVar's aggregate classification.